The following is an entry in ClinVar:

NM_000426.4(LAMA2):c.5393G>C (p.Arg1798Thr)

Gene: LAMA2 (laminin subunit alpha 2; plus strand). Cytogenetic location: 6q22.33.
Variant type: single nucleotide variant.
Coding change: c.5393G>C on transcript NM_000426.4 (MANE Select); coding-DNA position 5393, G replaced by C.
Protein change: p.Arg1798Thr; replaces arginine 1798 with threonine.
Molecular consequence: missense variant.
Genome position (GRCh38, 1-based): chr6:129,393,203, G>C. VCF-style: chr6-129393203-G-C. GRCh37 (hg19) VCF-style: chr6-129714348-G-C.
Other names: c.5393G>C, p.Arg1798Thr (NM_001079823.2); short protein forms R1798T.
Identifiers: ClinVar variation 1361375 (VCV001361375.8), dbSNP rs2114674900, ClinGen allele CA365614903.
Genomic context (GRCh38, chr6:129,393,203, plus strand): 5'-ACTACAAAAACAAAGTTGATGATGCTTGGGACCTTTTGAGAGAAGCCACAGATAAAATCA[G>C]AGAAGCTAATCGCCTATTTGCAGTAAATCAGAAAAACATGACTGCATTGGAGGTGAGTCT-3'
Protein context (NP_000417.3, residues 1788-1808): DLLREATDKI[Arg1798Thr]EANRLFAVNQ

ClinVar aggregate classification (germline): Uncertain significance (1 of 4 stars; one submission).

Conditions:
LAMA2-related muscular dystrophy (LAMA2-RD). Also called: Laminin alpha 2-related dystrophy. Identifiers: MedGen C5679788, MONDO:0100228.

Submission:

Labcorp Genetics (formerly Invitae), Labcorp
Classification: Uncertain significance for LAMA2-related muscular dystrophy. Last evaluated: 2021-06-15. Review status: criteria provided, single submitter. Criteria: Invitae Variant Classification Sherloc (09022015). Collection method: clinical testing. Allele origin: germline.
Comment: This sequence change replaces arginine with threonine at codon 1798 of the LAMA2 protein (p.Arg1798Thr). The arginine residue is moderately conserved and there is a moderate physicochemical difference between arginine and threonine. This variant is not present in population databases (ExAC no frequency). This variant has not been reported in the literature in individuals with LAMA2-related conditions. Advanced modeling of protein sequence and biophysical properties (such as structural, functional, and spatial information, amino acid conservation, physicochemical variation, residue mobility, and thermodynamic stability) performed at Invitae indicates that this missense variant is not expected to disrupt LAMA2 protein function. In summary, the available evidence is currently insufficient to determine the role of this variant in disease. Therefore, it has been classified as a Variant of Uncertain Significance.